The following is an entry in ClinVar:

NM_001122769.3(LCA5):c.2029G>T (p.Asp677Tyr)

Gene: LCA5 (lebercilin LCA5; minus strand). Cytogenetic location: 6q14.1.
Variant type: single nucleotide variant.
Coding change: c.2029G>T on transcript NM_001122769.3 (MANE Select); coding-DNA position 2029, G replaced by T.
Protein change: p.Asp677Tyr; replaces aspartic acid 677 with tyrosine.
Molecular consequence: missense variant.
Genome position (GRCh38, 1-based): chr6:79,487,069, C>A on the plus strand (G>T on the coding strand, the complement: LCA5 is on the minus strand). VCF-style: chr6-79487069-C-A. GRCh37 (hg19) VCF-style: chr6-80196786-C-A.
Other names: c.2029G>T, p.Asp677Tyr (NM_181714.4); c.2029G>T (NM_181714.3); short protein forms D677Y.
Identifiers: ClinVar variation 2051680 (VCV002051680.5), dbSNP rs367583144, ClinGen allele CA141860007.

ClinVar aggregate classification (germline): Uncertain significance. Review status: criteria provided, multiple submitters, no conflicts (2 of 4 stars). 3 submissions from 3 submitters: Uncertain significance (3). Last evaluated 2024-07-01.

Conditions:
Inborn genetic diseases. Identifiers: MedGen C0950123, MeSH D030342.

Allele frequency attached by ClinVar (database versions not stated): ESP Exome Variant Server 0.00008.
gnomAD v4.1: 9 of 1,613,638 alleles (0.00056%); highest among the groups gnomAD compares: Non-Finnish European, 0.00076%; no homozygotes.

Submissions (3):

Labcorp Genetics (formerly Invitae), Labcorp
Classification: Uncertain significance. Last evaluated: 2024-07-01. Review status: criteria provided, single submitter. Criteria: Invitae Variant Classification Sherloc (09022015). Collection method: clinical testing. Allele origin: germline.
Comment: This sequence change replaces aspartic acid, which is acidic and polar, with tyrosine, which is neutral and polar, at codon 677 of the LCA5 protein (p.Asp677Tyr). This variant is not present in population databases (gnomAD no frequency). This variant has not been reported in the literature in individuals affected with LCA5-related conditions. ClinVar contains an entry for this variant (Variation ID: 2051680). An algorithm developed to predict the effect of missense changes on protein structure and function (PolyPhen-2) suggests that this variant¬†is likely to be tolerated. In summary, the available evidence is currently insufficient to determine the role of this variant in disease. Therefore, it has been classified as a Variant of Uncertain Significance.

Blueprint Genetics
Classification: Uncertain significance. Last evaluated: 2024-05-21. Review status: criteria provided, single submitter. Criteria: ACMG Guidelines, 2015. Collection method: clinical testing. Allele origin: germline.

Ambry Genetics
Classification: Uncertain significance for Inborn genetic diseases. Last evaluated: 2023-04-19. Review status: criteria provided, single submitter. Criteria: Ambry Variant Classification Scheme 2023. Collection method: clinical testing. Allele origin: germline.